The following is an entry in ClinVar:

ClinVar aggregate classification (germline): Uncertain significance (1 of 4 stars; one submission).

Conditions:
Ehlers-Danlos syndrome, classic type, 1 (EDSCL1). Also called: EDS I; Ehlers-Danlos syndrome, type 1; EHLERS-DANLOS SYNDROME, GRAVIS TYPE; EHLERS-DANLOS SYNDROME, SEVERE CLASSIC TYPE; Ehlers-Danlos Syndrome, Classic Type, COL5A1-Related. Identifiers: MedGen C0268335, MONDO:0019567, OMIM 130000.

Submission:

Labcorp Genetics (formerly Invitae), Labcorp
Classification: Uncertain significance for Ehlers-Danlos syndrome, classic type, 1. Last evaluated: 2025-03-09. Review status: criteria provided, single submitter. Criteria: Invitae Variant Classification Sherloc (09022015). Collection method: clinical testing. Allele origin: germline.
Comment: This sequence change replaces phenylalanine, which is neutral and non-polar, with leucine, which is neutral and non-polar, at codon 1704 of the COL5A1 protein (p.Phe1704Leu). This variant is not present in population databases (gnomAD no frequency). This variant has not been reported in the literature in individuals affected with COL5A1-related conditions. ClinVar contains an entry for this variant (Variation ID: 1718769). Invitae Evidence Modeling of protein sequence and biophysical properties (such as structural, functional, and spatial information, amino acid conservation, physicochemical variation, residue mobility, and thermodynamic stability) indicates that this missense variant is not expected to disrupt COL5A1 protein function with a negative predictive value of 95%. In summary, the available evidence is currently insufficient to determine the role of this variant in disease. Therefore, it has been classified as a Variant of Uncertain Significance.

NM_000093.5(COL5A1):c.5110T>C (p.Phe1704Leu)

Genes: COL5A1 (collagen type V alpha 1 chain; plus strand), LOC101448202 (uncharacterized LOC101448202; minus strand). Cytogenetic location: 9q34.3.
Variant type: single nucleotide variant.
Coding change: c.5110T>C on transcript NM_000093.5 (MANE Select); coding-DNA position 5110, T replaced by C.
Protein change: p.Phe1704Leu; replaces phenylalanine 1704 with leucine.
Molecular consequence: missense variant. On other transcripts: intron variant (1).
Genome position (GRCh38, 1-based): chr9:134,830,018, T>C. VCF-style: chr9-134830018-T-C. GRCh37 (hg19) VCF-style: chr9-137721864-T-C.
Other names: c.5068-90T>C (NM_001278074.1); short protein forms F1704L.
Identifiers: ClinVar variation 1718769 (VCV001718769.6), dbSNP rs2490908503, ClinGen allele CA375459368.